The following is an entry in ClinVar:

ClinVar aggregate classification (germline): Pathogenic (1 of 4 stars; one submission).

Conditions:
Cardiovascular phenotype. Identifiers: MedGen CN230736.

Submission:

Ambry Genetics
Classification: Pathogenic for Cardiovascular phenotype. Last evaluated: 2023-04-05. Review status: criteria provided, single submitter. Criteria: Ambry Variant Classification Scheme 2023. Collection method: clinical testing. Allele origin: germline.
Comment: The c.1232dupT pathogenic mutation, located in coding exon 10 of the DSP gene, results from a duplication of T at nucleotide position 1232, causing a translational frameshift with a predicted alternate stop codon (p.Q412Afs*19). This variant is considered to be rare based on population cohorts in the Genome Aggregation Database (gnomAD). Alterations in DSP that result in haploinsufficiency or protein truncation have been reported in patients with arrhythmogenic right ventricular cardiomyopathy (ARVC) and dilated cardiomyopathy (DCM) (Fressart V et al. Europace. 2010;12(6):861-8; Elliott P et al. Circ Cardiovasc Genet. 2010;3(4):314-22; Quarta G et al. Circulation. 2011;123(23):2701-9; Garcia-Pavia P et al. Heart. 2011;97(21):1744-52; Rasmussen TB et al. Clin Genet. 2013;84(1):20-30; Pugh TJ et al. Genet Med. 2014;16(8):601-8). This alteration is expected to result in loss of function by premature protein truncation or nonsense-mediated mRNA decay. As such, this alteration is interpreted as a disease-causing mutation.

NM_004415.4(DSP):c.1232dup (p.Gln412fs)

Gene: DSP (desmoplakin; plus strand). Cytogenetic location: 6p24.3.
Variant type: Duplication.
Coding change: c.1232dup on transcript NM_004415.4 (MANE Select); coding-DNA position 1232, one base duplicated (T; older notation c.1232dupT).
Protein change: p.Gln412fs; shifts the reading frame from glutamine 412.
Molecular consequence: frameshift variant.
Genome position (GRCh38, 1-based): chr6:7,567,872, T duplicated. VCF-style (leftmost placement, unchanged base first): chr6-7567871-C-CT. GRCh37 (hg19) VCF-style: chr6-7568104-C-CT.
Other names: c.1232dup, p.Gln412fs (NM_001008844.3, NM_001319034.2, NM_001406591.1); c.1232dupT (NM_004415.2); short protein forms Q412fs.
Identifiers: ClinVar variation 2567515 (VCV002567515.2), dbSNP rs2533881951, ClinGen allele CA2580614823.